The following is an entry in ClinVar:

ClinVar aggregate classification (germline): Likely pathogenic (1 of 4 stars; one submission).

Conditions:
Episodic ataxia type 1 (EA1). Also called: ATAXIA, EPISODIC, WITH MYOKYMIA; Episodic ataxia/myokymia syndrome; MYOKYMIA WITH PERIODIC ATAXIA; PAROXYSMAL ATAXIA WITH NEUROMYOTONIA, HEREDITARY. Identifiers: Orphanet 37612, Orphanet 972, MedGen C1719788, MONDO:0008047, OMIM 160120.

Submission:

Labcorp Genetics (formerly Invitae), Labcorp
Classification: Likely pathogenic for Episodic ataxia type 1. Last evaluated: 2024-08-12. Review status: criteria provided, single submitter. Criteria: Invitae Variant Classification Sherloc (09022015). Collection method: clinical testing. Allele origin: germline.
Comment: This sequence change replaces leucine, which is neutral and non-polar, with phenylalanine, which is neutral and non-polar, at codon 329 of the KCNA1 protein (p.Leu329Phe). This variant is not present in population databases (gnomAD no frequency). This missense change has been observed in individual(s) with KCNA1-related conditions (Invitae). In at least one individual the variant was observed to be de novo. ClinVar contains an entry for this variant (Variation ID: 1994858). Advanced modeling of protein sequence and biophysical properties (such as structural, functional, and spatial information, amino acid conservation, physicochemical variation, residue mobility, and thermodynamic stability) performed at Invitae indicates that this missense variant is not expected to disrupt KCNA1 protein function with a negative predictive value of 80%. In summary, the currently available evidence indicates that the variant is pathogenic, but additional data are needed to prove that conclusively. Therefore, this variant has been classified as Likely Pathogenic.

NM_000217.3(KCNA1):c.985C>T (p.Leu329Phe)

Gene: KCNA1 (potassium voltage-gated channel subfamily A member 1; plus strand). Cytogenetic location: 12p13.32.
Variant type: single nucleotide variant.
Coding change: c.985C>T on transcript NM_000217.3 (MANE Select); coding-DNA position 985, C replaced by T.
Protein change: p.Leu329Phe; replaces leucine 329 with phenylalanine.
Molecular consequence: missense variant.
Genome position (GRCh38, 1-based): chr12:4,912,363, C>T. VCF-style: chr12-4912363-C-T. GRCh37 (hg19) VCF-style: chr12-5021529-C-T.
Other names: short protein forms L329F.
Identifiers: ClinVar variation 1994858 (VCV001994858.4), dbSNP rs2497353523, ClinGen allele CA383455776.